The following is an entry in ClinVar:

NM_001376.5(DYNC1H1):c.854T>C (p.Leu285Ser)

Gene: DYNC1H1 (dynein cytoplasmic 1 heavy chain 1; plus strand). Cytogenetic location: 14q32.31.
Variant type: single nucleotide variant.
Coding change: c.854T>C on transcript NM_001376.5 (MANE Select); coding-DNA position 854, T replaced by C.
Protein change: p.Leu285Ser; replaces leucine 285 with serine.
Molecular consequence: missense variant.
Genome position (GRCh38, 1-based): chr14:101,980,443, T>C. VCF-style: chr14-101980443-T-C. GRCh37 (hg19) VCF-style: chr14-102446780-T-C.
Other names: short protein forms L285S.
Identifiers: ClinVar variation 2053054 (VCV002053054.4), dbSNP rs1341308384, ClinGen allele CA391009922.
Genomic context (GRCh38, chr14:101,980,443, plus strand): 5'-ATCCTGCATCAGGAACTGCCTTACAGGAAATTAGTTTTTGGCTAAACTTGGAACGTGCGT[T>C]ATACCGCATCCAGGAGAAACGGGAGAGCCCGGAAGTTCTCCTGACTCTGGATATCTTGAA-3'
Protein context (NP_001367.2, residues 275-295): ISFWLNLERA[Leu285Ser]YRIQEKRESP

ClinVar aggregate classification (germline): Uncertain significance. Review status: criteria provided, multiple submitters, no conflicts (2 of 4 stars). 3 submissions from 3 submitters: Uncertain significance (2). 1 of the submissions does not count toward it. Last evaluated 2025-12-24.

Conditions:
Inborn genetic diseases. Identifiers: MedGen C0950123, MeSH D030342.
DYNC1H1-related disorder. Also called: DYNC1H1-related condition; DYNC1H1-related disorders. Identifiers: MedGen CN381529.
Charcot-Marie-Tooth disease axonal type 2O. Also called: CHARCOT-MARIE-TOOTH NEUROPATHY, AXONAL, TYPE 2O; CHARCOT-MARIE-TOOTH DISEASE, AXONAL, AUTOSOMAL DOMINANT, TYPE 2O; Charcot-Marie-Tooth Neuropathy Type 2O; Charcot-Marie-Tooth disease, axonal, type 20. Identifiers: Orphanet 284232, MedGen C3280220, MONDO:0013644, OMIM 614228.

Allele frequency attached by ClinVar (database versions not stated): TOPMed below 0.00001; gnomAD 0.00001; gnomAD exomes 0.00001.
gnomAD v4.1: 11 of 1,614,140 alleles (0.00068%); highest among the groups gnomAD compares: African/African-American, 0.0013%; no homozygotes.

Submissions (3):

Ambry Genetics
Classification: Uncertain significance for Inborn genetic diseases. Last evaluated: 2025-12-24. Review status: criteria provided, single submitter. Criteria: Ambry Variant Classification Scheme 2023. Collection method: clinical testing. Allele origin: germline.

Labcorp Genetics (formerly Invitae), Labcorp
Classification: Uncertain significance for Charcot-Marie-Tooth disease axonal type 2O. Last evaluated: 2022-08-03. Review status: criteria provided, single submitter. Criteria: Invitae Variant Classification Sherloc (09022015). Collection method: clinical testing. Allele origin: germline.
Comment: In summary, the available evidence is currently insufficient to determine the role of this variant in disease. Therefore, it has been classified as a Variant of Uncertain Significance. Advanced modeling of protein sequence and biophysical properties (such as structural, functional, and spatial information, amino acid conservation, physicochemical variation, residue mobility, and thermodynamic stability) performed at Invitae indicates that this missense variant is expected to disrupt DYNC1H1 protein function. This variant has not been reported in the literature in individuals affected with DYNC1H1-related conditions. This variant is not present in population databases (gnomAD no frequency). This sequence change replaces leucine, which is neutral and non-polar, with serine, which is neutral and polar, at codon 285 of the DYNC1H1 protein (p.Leu285Ser).

PreventionGenetics, part of Exact Sciences
Classification: Uncertain significance for DYNC1H1-related condition. Last evaluated: 2024-05-14. Review status: no assertion criteria provided. Collection method: clinical testing. Allele origin: germline. Not counted in ClinVar's aggregate classification.
Comment: The DYNC1H1 c.854T>C variant is predicted to result in the amino acid substitution p.Leu285Ser. To our knowledge, this variant has not been reported in the literature or in a large population database, indicating this variant is rare. At this time, the clinical significance of this variant is uncertain due to the absence of conclusive functional and genetic evidence.